The following is an entry in ClinVar:

ClinVar aggregate classification (germline): Conflicting classifications of pathogenicity. Review status: criteria provided, conflicting classifications (1 of 4 stars). 3 submissions from 3 submitters: Uncertain significance (2); Likely benign (1). Last evaluated 2023-12-19.

Conditions:
Hereditary cancer-predisposing syndrome. Also called: Hereditary neoplastic syndrome; Tumor predisposition; Neoplastic Syndromes, Hereditary; Hereditary Cancer Syndrome. Identifiers: Orphanet 140162, MedGen C0027672, MeSH D009386, MONDO:0015356.
Tuberous sclerosis 2 (TSC2). Identifiers: Orphanet 805, MedGen C1860707, MONDO:0013199, OMIM 613254.

gnomAD v4.1: 3 of 1,612,768 alleles (0.00019%); highest among the groups gnomAD compares: Non-Finnish European, 0.00017%; no homozygotes.

Submissions (3):

Myriad Genetics, Inc.
Classification: Likely benign for Tuberous sclerosis 2. Last evaluated: 2023-12-19. Review status: criteria provided, single submitter. Criteria: Myriad Autosomal Dominant, Autosomal Recessive and X-Linked Classification Criteria (2023). Collection method: clinical testing. Allele origin: unknown.
Comment: This variant is considered likely benign. This variant is intronic and is not expected to impact mRNA splicing.

Ambry Genetics
Classification: Uncertain significance for Hereditary cancer-predisposing syndrome. Last evaluated: 2022-07-01. Review status: criteria provided, single submitter. Criteria: Ambry Variant Classification Scheme 2023. Collection method: clinical testing. Allele origin: germline.
Comment: The c.3284+3G>A intronic variant results from a G to A substitution 3 nucleotides after coding exon 27 in the TSC2 gene. This alteration was observed in 1 of 327 Danish individuals undergoing TSC1 and TSC2 genetic testing based on a suspicion of tuberous sclerosis complex (TSC) (Rosengren T et al. Sci Rep, 2020 06;10:9909). This nucleotide position is well conserved in available vertebrate species. In silico splice site analysis predicts that this alteration will not have any significant effect on splicing. Since supporting evidence is limited at this time, the clinical significance of this alteration remains unclear.

Labcorp Genetics (formerly Invitae), Labcorp
Classification: Uncertain significance for Tuberous sclerosis 2. Last evaluated: 2019-12-11. Review status: criteria provided, single submitter. Criteria: Invitae Variant Classification Sherloc (09022015). Collection method: clinical testing. Allele origin: germline.
Comment: In summary, the available evidence is currently insufficient to determine the role of this variant in disease. Therefore, it has been classified as a Variant of Uncertain Significance. Nucleotide substitutions within the consensus splice site are a relatively common cause of aberrant splicing (PMID: 17576681, 9536098). Algorithms developed to predict the effect of sequence changes on RNA splicing suggest that this variant may create or strengthen a splice site, but this prediction has not been confirmed by published transcriptional studies. This variant has not been reported in the literature in individuals with TSC2-related conditions. This variant is not present in population databases (ExAC no frequency). This sequence change falls in intron 28 of the TSC2 gene. It does not directly change the encoded amino acid sequence of the TSC2 protein, but it affects a nucleotide within the consensus splice site of the intron.

Literature cited by the submitters: PubMed 32555378 (cited by Ambry Genetics); PubMed 17576681 (cited by Labcorp Genetics (formerly Invitae), Labcorp); PubMed 9536098 (cited by Labcorp Genetics (formerly Invitae), Labcorp).

NM_000548.5(TSC2):c.3284+3G>A

Gene: TSC2 (TSC complex subunit 2; plus strand). Cytogenetic location: 16p13.3.
Variant type: single nucleotide variant.
Coding change: c.3284+3G>A on transcript NM_000548.5 (MANE Select); 3 bases into the intron after coding-DNA position 3284, G replaced by A.
Molecular consequence: intron variant.
Genome position (GRCh38, 1-based): chr16:2,079,431, G>A. VCF-style: chr16-2079431-G-A. GRCh37 (hg19) VCF-style: chr16-2129432-G-A.
Other names: c.3284+3G>A (NM_001114382.3); c.3155+3G>A (NM_021055.3, NM_001370405.1, NM_001363528.2); c.3152+3G>A (NM_001370404.1, NM_001077183.3); c.3044+3G>A (NM_001318827.2); c.2552+3G>A (NM_001318831.2); c.3008+3G>A (NM_001318829.2); c.3185+3G>A (NM_001318832.2).
Identifiers: ClinVar variation 860987 (VCV000860987.10), dbSNP rs2089847916, ClinGen allele CA916081789.